The following is an entry in ClinVar:

ClinVar aggregate classification (germline): Pathogenic/Likely pathogenic. Review status: criteria provided, multiple submitters, no conflicts (2 of 4 stars). 2 submissions from 2 submitters: Pathogenic (1); Likely pathogenic (1). Last evaluated 2022-09-08.

Submissions (2):

Labcorp Genetics (formerly Invitae), Labcorp
Classification: Pathogenic. Last evaluated: 2022-09-08. Review status: criteria provided, single submitter. Criteria: Invitae Variant Classification Sherloc (09022015). Collection method: clinical testing. Allele origin: germline.
Comment: This sequence change creates a premature translational stop signal (p.Gln980*) in the SPTA1 gene. It is expected to result in an absent or disrupted protein product. Loss-of-function variants in SPTA1 are known to be pathogenic (PMID: 9192783, 18815189, 31333484, 31723846, 32266426). This variant is not present in population databases (gnomAD no frequency). This variant has not been reported in the literature in individuals affected with SPTA1-related conditions. ClinVar contains an entry for this variant (Variation ID: 1408289). Algorithms developed to predict the effect of sequence changes on RNA splicing suggest that this variant may create or strengthen a splice site. For these reasons, this variant has been classified as Pathogenic.

Mayo Clinic Laboratories, Mayo Clinic
Classification: Likely pathogenic. Last evaluated: 2021-07-20. Review status: criteria provided, single submitter. Criteria: ACMG Guidelines, 2015. Collection method: clinical testing. Allele origin: germline.
Comment: PVS1, PM2

Literature cited by the submitters: PubMed 9192783 (cited by Labcorp Genetics (formerly Invitae), Labcorp); PubMed 18815189 (cited by Labcorp Genetics (formerly Invitae), Labcorp); PubMed 31333484 (cited by Labcorp Genetics (formerly Invitae), Labcorp and Mayo Clinic Laboratories, Mayo Clinic); PubMed 31723846 (cited by Labcorp Genetics (formerly Invitae), Labcorp); PubMed 32266426 (cited by Labcorp Genetics (formerly Invitae), Labcorp); PubMed 31038472 (cited by Mayo Clinic Laboratories, Mayo Clinic).

NM_003126.4(SPTA1):c.2938C>T (p.Gln980Ter)

Gene: SPTA1 (spectrin alpha, erythrocytic 1; minus strand). Cytogenetic location: 1q23.1.
Variant type: single nucleotide variant.
Coding change: c.2938C>T on transcript NM_003126.4 (MANE Select); coding-DNA position 2938, C replaced by T.
Protein change: p.Gln980Ter; replaces glutamine 980 with a stop codon.
Molecular consequence: nonsense.
Genome position (GRCh38, 1-based): chr1:158,654,709, G>A on the plus strand (C>T on the coding strand, the complement: SPTA1 is on the minus strand). VCF-style: chr1-158654709-G-A. GRCh37 (hg19) VCF-style: chr1-158624499-G-A.
Other names: p.Gln980*; short protein forms Q980*.
Identifiers: ClinVar variation 1408289 (VCV001408289.9), dbSNP rs539524312, ClinGen allele CA343039028.